The following is an entry in ClinVar:

ClinVar aggregate classification (germline): Likely benign. Review status: criteria provided, multiple submitters, no conflicts (2 of 4 stars). 3 submissions from 3 submitters: Likely benign (2). 1 of the submissions does not count toward it. Last evaluated 2025-11-06.

Conditions:
LTBP2-related disorder. Also called: LTBP2-related disorders; LTBP2-related condition.

Allele frequency attached by ClinVar (database versions not stated): ExAC 0.00003; gnomAD exomes 0.00004 and 0.00005; gnomAD 0.00005 and 0.00006; TOPMed 0.00005; ESP Exome Variant Server 0.00008.
gnomAD v4.1: 91 of 1,600,352 alleles (0.0057%); highest among the groups gnomAD compares: Non-Finnish European, 0.007%; no homozygotes.

Submissions (3):

Labcorp Genetics (formerly Invitae), Labcorp
Classification: Likely benign. Last evaluated: 2025-11-06. Review status: criteria provided, single submitter. Criteria: Invitae Variant Classification Sherloc (09022015). Collection method: clinical testing. Allele origin: germline.

Blueprint Genetics
Classification: Likely benign. Last evaluated: 2023-07-18. Review status: criteria provided, single submitter. Criteria: ACMG Guidelines, 2015. Collection method: clinical testing. Allele origin: germline.

PreventionGenetics, part of Exact Sciences
Classification: Likely benign for LTBP2-related condition. Last evaluated: 2019-03-06. Review status: no assertion criteria provided. Collection method: clinical testing. Allele origin: germline. Not counted in ClinVar's aggregate classification.
Comment: This variant is classified as likely benign based on ACMG/AMP sequence variant interpretation guidelines (Richards et al. 2015 PMID: 25741868, with internal and published modifications).

NM_000428.3(LTBP2):c.2389-4G>T

Gene: LTBP2 (latent transforming growth factor beta binding protein 2; minus strand). Cytogenetic location: 14q24.3.
Variant type: single nucleotide variant.
Coding change: c.2389-4G>T on transcript NM_000428.3 (MANE Select); 4 bases into the intron before coding-DNA position 2389, G replaced by T.
Molecular consequence: intron variant.
Genome position (GRCh38, 1-based): chr14:74,526,118, C>A on the plus strand (G>T on the coding strand, the complement: LTBP2 is on the minus strand). VCF-style: chr14-74526118-C-A. GRCh37 (hg19) VCF-style: chr14-74992821-C-A.
Other names: c.2389-4G>T (NM_000428.2).
Identifiers: ClinVar variation 1597544 (VCV001597544.11), dbSNP rs370271125, ClinGen allele CA7269530.
Genomic context (GRCh38, chr14:74,526,118, plus strand): 5'-CAGGAAGAGGGACTCACCTGTGACCCAGGCAGGTGCATGAGTGACACTGGTCGTGACCTG[C>A]ACAGAAACAGGAGAAGGTCACTTTTGGCTCCTCTGCCGTACCTGTGATGTGCCACCTTCC-3'